The following is an entry in ClinVar:

NM_000264.5(PTCH1):c.175G>A (p.Ala59Thr)

Gene: PTCH1 (patched 1; minus strand). Cytogenetic location: 9q22.32.
Variant type: single nucleotide variant.
Coding change: c.175G>A on transcript NM_000264.5 (MANE Select); coding-DNA position 175, G replaced by A.
Protein change: p.Ala59Thr; replaces alanine 59 with threonine.
Molecular consequence: missense variant. On other transcripts: non-coding transcript variant (1), intron variant (3).
Genome position (GRCh38, 1-based): chr9:95,508,187, C>T on the plus strand (G>A on the coding strand, the complement: PTCH1 is on the minus strand). VCF-style: chr9-95508187-C-T. GRCh37 (hg19) VCF-style: chr9-98270469-C-T.
Other names: c.175G>A, p.Ala59Thr (NM_001354918.2); c.199-1588G>A (NM_001083603.3); c.4-1588G>A (NM_001083602.3, NM_001354919.2); short protein forms A59T.
Identifiers: ClinVar variation 820001 (VCV000820001.6), dbSNP rs147738224, ClinGen allele CA374121293.
Genomic context (GRCh38, chr9:95,508,187, plus strand): 5'-AAGAGAAAGTGGGAGGAGAGAGTCTGAAATGCACCTTGGAAATCTGCTCCAGAGCGAAGG[C>T]GGCGTCGCAGTAGCTGGGCCGGTGCAGATAGTCCCGGTCCGGCGCGGCAGCACGGCGCAG-3'
Protein context (NP_000255.2, residues 49-69): YLHRPSYCDA[Ala59Thr]FALEQISKGK

ClinVar aggregate classification (germline): Uncertain significance. Review status: criteria provided, multiple submitters, no conflicts (2 of 4 stars). 2 submissions from 2 submitters: Uncertain significance (2). Last evaluated 2024-09-14.

Conditions:
Gorlin syndrome. Also called: Nevoid Basal Cell Carcinoma Syndrome; Basal cell nevus syndrome. Identifiers: Orphanet 377, MedGen C0004779, MONDO:0007187.
Hereditary cancer-predisposing syndrome. Also called: Hereditary Cancer Syndrome; Neoplastic Syndromes, Hereditary; Hereditary neoplastic syndrome; Tumor predisposition. Identifiers: Orphanet 140162, MedGen C0027672, MeSH D009386, MONDO:0015356.

Allele frequency attached by ClinVar (database versions not stated): gnomAD exomes below 0.00001.
gnomAD v4.1: 3 of 1,612,694 alleles (0.00019%); highest among the groups gnomAD compares: Non-Finnish European, 0.00025%; no homozygotes.

Submissions (2):

Labcorp Genetics (formerly Invitae), Labcorp
Classification: Uncertain significance for Gorlin syndrome. Last evaluated: 2024-09-14. Review status: criteria provided, single submitter. Criteria: Invitae Variant Classification Sherloc (09022015). Collection method: clinical testing. Allele origin: germline.
Comment: This sequence change replaces alanine, which is neutral and non-polar, with threonine, which is neutral and polar, at codon 59 of the PTCH1 protein (p.Ala59Thr). This variant is not present in population databases (gnomAD no frequency). This variant has not been reported in the literature in individuals affected with PTCH1-related conditions. ClinVar contains an entry for this variant (Variation ID: 820001). Invitae Evidence Modeling of protein sequence and biophysical properties (such as structural, functional, and spatial information, amino acid conservation, physicochemical variation, residue mobility, and thermodynamic stability) indicates that this missense variant is not expected to disrupt PTCH1 protein function with a negative predictive value of 95%. In summary, the available evidence is currently insufficient to determine the role of this variant in disease. Therefore, it has been classified as a Variant of Uncertain Significance.

Ambry Genetics
Classification: Uncertain significance for Hereditary cancer-predisposing syndrome. Last evaluated: 2019-08-13. Review status: criteria provided, single submitter. Criteria: Ambry Variant Classification Scheme 2023. Collection method: clinical testing. Allele origin: germline.
Comment: The p.A59T variant (also known as c.175G>A), located in coding exon 1 of the PTCH1 gene, results from a G to A substitution at nucleotide position 175. The alanine at codon 59 is replaced by threonine, an amino acid with similar properties. This amino acid position is highly conserved through mammals but not in all available vertebrate species. In addition, the in silico prediction for this alteration is inconclusive. Since supporting evidence is limited at this time, the clinical significance of this alteration remains unclear.